The following is an entry in ClinVar:

NM_001457.4(FLNB):c.2781T>G (p.Asp927Glu)

Gene: FLNB (filamin B; plus strand). Cytogenetic location: 3p14.3.
Variant type: single nucleotide variant.
Coding change: c.2781T>G on transcript NM_001457.4 (MANE Select); coding-DNA position 2781, T replaced by G.
Protein change: p.Asp927Glu; replaces aspartic acid 927 with glutamic acid.
Molecular consequence: missense variant.
Genome position (GRCh38, 1-based): chr3:58,118,907, T>G. VCF-style: chr3-58118907-T-G. GRCh37 (hg19) VCF-style: chr3-58104634-T-G.
Other names: c.2781T>G, p.Asp927Glu (NM_001164317.2, NM_001164318.2, NM_001164319.2); short protein forms D927E.
Identifiers: ClinVar variation 2871235 (VCV002871235.3), dbSNP rs774948491, ClinGen allele CA2468236.

ClinVar aggregate classification (germline): Uncertain significance (1 of 4 stars; one submission).

Allele frequency attached by ClinVar (database versions not stated): ExAC 0.00001; gnomAD 0.00001.
gnomAD v4.1: 3 of 1,613,942 alleles (0.00019%); highest among the groups gnomAD compares: Admixed American, 0.0017%; no homozygotes.

Submission:

Labcorp Genetics (formerly Invitae), Labcorp
Classification: Uncertain significance. Last evaluated: 2023-09-01. Review status: criteria provided, single submitter. Criteria: Invitae Variant Classification Sherloc (09022015). Collection method: clinical testing. Allele origin: germline.
Comment: This sequence change replaces aspartic acid, which is acidic and polar, with glutamic acid, which is acidic and polar, at codon 927 of the FLNB protein (p.Asp927Glu). This variant is present in population databases (rs774948491, gnomAD 0.003%). This variant has not been reported in the literature in individuals affected with FLNB-related conditions. Advanced modeling of protein sequence and biophysical properties (such as structural, functional, and spatial information, amino acid conservation, physicochemical variation, residue mobility, and thermodynamic stability) performed at Invitae indicates that this missense variant is not expected to disrupt FLNB protein function. In summary, the available evidence is currently insufficient to determine the role of this variant in disease. Therefore, it has been classified as a Variant of Uncertain Significance.